The following is an entry in ClinVar:

NM_001110556.2(FLNA):c.4525G>T (p.Val1509Phe)

Gene: FLNA (filamin A; minus strand). Cytogenetic location: Xq28.
Variant type: single nucleotide variant.
Coding change: c.4525G>T on transcript NM_001110556.2 (MANE Select); coding-DNA position 4525, G replaced by T.
Protein change: p.Val1509Phe; replaces valine 1509 with phenylalanine.
Molecular consequence: missense variant.
Genome position (GRCh38, 1-based): chrX:154,358,518, C>A on the plus strand (G>T on the coding strand, the complement: FLNA is on the minus strand). VCF-style: chrX-154358518-C-A. GRCh37 (hg19) VCF-style: chrX-153586886-C-A.
Other names: c.4525G>T, p.Val1509Phe (NM_001456.4); short protein forms V1509F.
Identifiers: ClinVar variation 1741234 (VCV001741234.4), dbSNP rs782018054, ClinGen allele CA10560513.
Genomic context (GRCh38, chrX:154,358,518, plus strand): 5'-CTTCATCTCCATACAGTACTGAGATGCTGTAGGGCCCTTCTCGGCTGGGCACATAATTGA[C>A]GGTCTGGGTGCCATCAGCGTTGTCTACCACGTCCACTGGCTCCACCAGGCCTGGCCCCAG-3'
Protein context (NP_001104026.1, residues 1499-1519): VVDNADGTQT[Val1509Phe]NYVPSREGPY

ClinVar aggregate classification (germline): Conflicting classifications of pathogenicity. Review status: criteria provided, conflicting classifications (1 of 4 stars). 2 submissions from 2 submitters: Uncertain significance (1); Likely benign (1). Last evaluated 2024-12-04.

Conditions:
Familial thoracic aortic aneurysm and aortic dissection (TAAD). Also called: Thoracic aortic aneurysms and dissections. Identifiers: Orphanet 91387, MedGen C4707243, MONDO:0019625.
Melnick-Needles syndrome (MNS). Also called: MELNICK-NEEDLES OSTEODYSPLASTY; OSTEODYSPLASTY OF MELNICK AND NEEDLES; Melnick-Needles Syndrome (FLNA-MNS). Identifiers: Orphanet 2484, MedGen C0025237, MONDO:0010650, OMIM 309350.
Heterotopia, periventricular, X-linked dominant (PVNH1). Also called: PERIVENTRICULAR NODULAR HETEROTOPIA 1; X-linked periventricular heterotopia; HETEROTOPIA, PERIVENTRICULAR, 1; PERIVENTRICULAR NODULAR HETEROTOPIA 4. Identifiers: Orphanet 2149, Orphanet 82004, MedGen C1848213, MONDO:0010233, OMIM 300049.
Oto-palato-digital syndrome, type II (OPD2). Also called: OPD II SYNDROME; Otopalatodigital Syndrome, Type II; FACIOPALATOOSSEOUS SYNDROME; Otopalatodigital Syndrome Type 2 (FLNA-OPD2). Identifiers: Orphanet 669, Orphanet 90652, MedGen C1844696, MONDO:0010571, OMIM 304120.
Frontometaphyseal dysplasia (FMD1). Identifiers: Orphanet 1826, MedGen C0265293, MONDO:0015942.

Allele frequency attached by ClinVar (database versions not stated): ExAC 0.00001; gnomAD 0.00001.
gnomAD v4.1: 2 of 1,207,619 alleles (0.00017%); highest among the groups gnomAD compares: Non-Finnish European, 0.00022%; no homozygotes.

Submissions (2):

Labcorp Genetics (formerly Invitae), Labcorp
Classification: Likely benign for Oto-palato-digital syndrome, type II; Heterotopia, periventricular, X-linked dominant; Frontometaphyseal dysplasia; Melnick-Needles syndrome. Last evaluated: 2024-12-04. Review status: criteria provided, single submitter. Criteria: Invitae Variant Classification Sherloc (09022015). Collection method: clinical testing. Allele origin: germline.

Ambry Genetics
Classification: Uncertain significance for Familial thoracic aortic aneurysm and aortic dissection. Last evaluated: 2020-07-08. Review status: criteria provided, single submitter. Criteria: Ambry Variant Classification Scheme 2023. Collection method: clinical testing. Allele origin: germline.
Comment: The p.V1509F variant (also known as c.4525G>T), located in coding exon 26 of the FLNA gene, results from a G to T substitution at nucleotide position 4525. The valine at codon 1509 is replaced by phenylalanine, an amino acid with highly similar properties. This allele was reported in one individual in population-based cohorts in the Genome Aggregation Database (gnomAD). This amino acid position is well conserved in available vertebrate species. In addition, this alteration is predicted to be deleterious by in silico analysis. Since supporting evidence is limited at this time, the clinical significance of this alteration remains unclear.